The following is an entry in ClinVar:

NM_001164508.2(NEB):c.21313-7T>A

Genes: NEB (nebulin; minus strand), RIF1 (replication timing regulatory factor 1; plus strand). Cytogenetic location: 2q23.3.
Variant type: single nucleotide variant.
Coding change: c.21313-7T>A on transcript NM_001164508.2 (MANE Select); 7 bases into the intron before coding-DNA position 21313, T replaced by A.
Molecular consequence: intron variant.
Genome position (GRCh38, 1-based): chr2:151,533,553, A>T on the plus strand (T>A on the coding strand, the complement: NEB is on the minus strand). VCF-style: chr2-151533553-A-T. GRCh37 (hg19) VCF-style: chr2-152390067-A-T.
Other names: c.16314+662T>A (NM_004543.5); c.21417+662T>A (NM_001164507.2); c.21418-7T>A (NM_001271208.2).
Identifiers: ClinVar variation 496133 (VCV000496133.2), dbSNP rs916066756, ClinGen allele CA658683264.

ClinVar aggregate classification (germline): Uncertain significance. Review status: criteria provided, multiple submitters, no conflicts (2 of 4 stars). 2 submissions from 2 submitters: Uncertain significance (2). Last evaluated 2025-09-10.

Conditions:
Nemaline myopathy 2 (NEM2). Also called: Nemaline myopathy 2, autosomal recessive. Identifiers: MedGen C1850569, MONDO:0009725, OMIM 256030.

Submissions (2):

Labcorp Genetics (formerly Invitae), Labcorp
Classification: Uncertain significance for Nemaline myopathy 2. Last evaluated: 2025-09-10. Review status: criteria provided, single submitter. Criteria: Invitae Variant Classification Sherloc (09022015). Collection method: clinical testing. Allele origin: germline.
Comment: This sequence change falls in intron 143 of the NEB gene. It does not directly change the encoded amino acid sequence of the NEB protein. This variant is not present in population databases (gnomAD no frequency). This variant has not been reported in the literature in individuals affected with NEB-related conditions. ClinVar contains an entry for this variant (Variation ID: 496133). Algorithms developed to predict the effect of sequence changes on RNA splicing suggest that this variant may create or strengthen a splice site. In summary, the available evidence is currently insufficient to determine the role of this variant in disease. Therefore, it has been classified as a Variant of Uncertain Significance.

Women's Health and Genetics/Laboratory Corporation of America, LabCorp
Classification: Uncertain significance. Last evaluated: 2016-12-12. Review status: criteria provided, single submitter. Criteria: LabCorp Variant Classification Summary - May 2015. Collection method: clinical testing. Allele origin: germline.
Comment: Variant summary: The NEB c.21417+662T>A variant (or c.21418-7T>A) involves the alteration of a conserved intronic nucleotide. Mutation taster predicts a damaging outcome for this variant. 3/5 splice prediction tools predict that this variant may create a novel 3' splicing acceptor site and result in frameshift. However, these predictions have yet to be confirmed by functional studies. This variant is absent in 21714 control chromosomes from ExAC. The variant of interest has not, to our knowledge, been reported in affected individuals via publications and/or reputable databases/clinical diagnostic laboratories; nor evaluated for functional impact by in vivo/vitro studies. Because of the absence of clinical information and the lack of functional studies, the variant is classified as a variant of uncertain significance (VUS) until additional information becomes available.